The following is an entry in ClinVar:

ClinVar aggregate classification (germline): Conflicting classifications of pathogenicity. Review status: criteria provided, conflicting classifications (1 of 4 stars). 5 submissions from 5 submitters: Likely pathogenic (1); Uncertain significance (4). Last evaluated 2026-02-09.

Conditions:
Cardiovascular phenotype. Identifiers: MedGen CN230736.
Hypertrophic cardiomyopathy 1 (CMH1). Also called: MYH7-Related Familial Hypertrophic Cardiomyopathy; Familial hypertrophic cardiomyopathy 1. Identifiers: MedGen C3495498, MONDO:0008647, OMIM 192600.
Dilated cardiomyopathy 1EE (CMD1EE). Identifiers: Orphanet 154, MedGen C2750466, MONDO:0013198, OMIM 613252.
Atrial septal defect 3 (ASD3). Identifiers: Orphanet 1478, MedGen C3279790, MONDO:0013567, OMIM 614089.
Sick sinus syndrome 3, susceptibility to (SSS3). Identifiers: Orphanet 166282, MedGen C3279791, MONDO:0013568, OMIM 614090.
Hypertrophic cardiomyopathy 14. Identifiers: MedGen C2750467, MONDO:0013197, OMIM 613251.

Submissions (5):

Women's Health and Genetics/Laboratory Corporation of America, LabCorp
Classification: Uncertain significance. Last evaluated: 2026-02-09. Review status: criteria provided, single submitter. Criteria: LabCorp Variant Classification Summary - May 2015. Collection method: clinical testing. Allele origin: germline.
Comment: Variant summary: MYH6 c.619_621delAAG (p.Lys207del) results in an in-frame deletion that is predicted to remove one amino acid from the encoded protein. The variant allele was found at a frequency of 3.2e-05 in 251482 control chromosomes. The available data on variant occurrences in the general population are insufficient to allow any conclusion about variant significance. To our knowledge, no occurrence of c.619_621delAAG in individuals affected with MYH6-related conditions and no experimental evidence demonstrating its impact on protein function have been reported. ClinVar contains an entry for this variant (Variation ID: 1447754). Based on the evidence outlined above, the variant was classified as uncertain significance.

Labcorp Genetics (formerly Invitae), Labcorp
Classification: Uncertain significance for Hypertrophic cardiomyopathy 14. Last evaluated: 2025-12-08. Review status: criteria provided, single submitter. Criteria: Invitae Variant Classification Sherloc (09022015). Collection method: clinical testing. Allele origin: germline.
Comment: This variant, c.619_621del, results in the deletion of 1 amino acid(s) of the MYH6 protein (p.Lys207del), but otherwise preserves the integrity of the reading frame. This variant is present in population databases (no rsID available, gnomAD 0.03%). This variant has not been reported in the literature in individuals affected with MYH6-related conditions. Experimental studies and prediction algorithms are not available or were not evaluated, and the functional significance of this variant is currently unknown. In summary, the available evidence is currently insufficient to determine the role of this variant in disease. Therefore, it has been classified as a Variant of Uncertain Significance.

Ambry Genetics
Classification: Uncertain significance for Cardiovascular phenotype. Last evaluated: 2024-12-06. Review status: criteria provided, single submitter. Criteria: Ambry Variant Classification Scheme 2023. Collection method: clinical testing. Allele origin: germline.
Comment: The c.619_621delAAG variant (also known as p.K207del) is located in coding exon 5 of the MYH6 gene. This variant results from an in-frame AAG deletion at nucleotide positions 619 to 621. This results in the in-frame deletion of a lysine at codon 207. This amino acid position is highly conserved in available vertebrate species. In addition, the in silico prediction for this alteration is inconclusive (Choi Y et al. PLoS ONE. 2012; 7(10):e46688). Since supporting evidence is limited at this time, the clinical significance of this alteration remains unclear.

Genomic Medicine Center of Excellence, King Faisal Specialist Hospital and Research Centre
Classification: Likely pathogenic for Atrial septal defect 3. Last evaluated: 2024-04-04. Review status: criteria provided, single submitter. Criteria: ACMG Guidelines, 2015. Collection method: clinical testing. Allele origin: germline.

Fulgent Genetics
Classification: Uncertain significance for Hypertrophic cardiomyopathy 1; Hypertrophic cardiomyopathy 14; Dilated cardiomyopathy 1EE; Atrial septal defect 3; Sick sinus syndrome 3, susceptibility to. Last evaluated: 2021-08-20. Review status: criteria provided, single submitter. Criteria: ACMG Guidelines, 2015. Collection method: clinical testing. Allele origin: unknown.

NM_002471.4(MYH6):c.616AAG[1] (p.Lys207del)

Genes: MYH6 (myosin heavy chain 6; minus strand), LOC114827851 (VISTA enhancer hs2155; plus strand). Cytogenetic location: 14q11.2.
Variant type: Microsatellite.
Coding change: c.616AAG[1] on transcript NM_002471.4 (MANE Select); one copy of the 3-base unit AAG starting at c.616; the reference has two copies in a row; one copy, 3 bases deleted; also written c.619_621del.
Protein change: p.Lys207del; deletes lysine 207.
Molecular consequence: inframe deletion.
Genome position (GRCh38, 1-based): chr14:23,404,732-23,404,734, CTT deleted on the plus strand (AAG on the coding strand, the reverse complement: MYH6 is on the minus strand); deleting any 3 consecutive bases within chr14:23,404,732-23,404,737 gives the same sequence; the position shown is the placement nearest the transcript's 3' end. VCF-style (leftmost placement, unchanged base first): chr14-23404731-CCTT-C. GRCh37 (hg19) VCF-style: chr14-23873940-CCTT-C.
Other names: c.619_621del (NM_002471.4); c.619_621delAAG (NM_002471.4); short protein forms K207del.
Identifiers: ClinVar variation 1447754 (VCV001447754.14), dbSNP rs1404018896, ClinGen allele CA612935604.